The following is an entry in ClinVar:

ClinVar aggregate classification (germline): Uncertain significance. Review status: criteria provided, multiple submitters, no conflicts (2 of 4 stars). 2 submissions from 2 submitters: Uncertain significance (2). Last evaluated 2025-03-28.

Conditions:
Inborn genetic diseases. Identifiers: MedGen C0950123, MeSH D030342.
Cornelia de Lange syndrome 1 (CDLS1). Also called: TYPUS DEGENERATIVUS AMSTELODAMENSIS; NIPBL-Related Cornelia de Lange Syndrome; Brachmann de Lange syndrome. Identifiers: Orphanet 199, MedGen C4551851, MONDO:0007387, OMIM 122470.

Submissions (2):

Ambry Genetics
Classification: Uncertain significance for Inborn genetic diseases. Last evaluated: 2025-03-28. Review status: criteria provided, single submitter. Criteria: Ambry Variant Classification Scheme 2023. Collection method: clinical testing. Allele origin: germline.

Juno Genomics, Hangzhou Juno Genomics, Inc
Classification: Uncertain significance for Cornelia de Lange syndrome 1. Review status: criteria provided, single submitter. Criteria: ACMG Guidelines, 2015. Collection method: clinical testing. Allele origin: germline.
Comment: Absent from controls (or at extremely low frequency if recessive) in Genome Aggregation Database.;Missense variant in a gene that has a low rate of benign missense variation.

NM_133433.4(NIPBL):c.2884A>C (p.Lys962Gln)

Gene: NIPBL (NIPBL cohesin loading factor; plus strand). Cytogenetic location: 5p13.2.
Variant type: single nucleotide variant.
Coding change: c.2884A>C on transcript NM_133433.4 (MANE Select); coding-DNA position 2884, A replaced by C.
Protein change: p.Lys962Gln; replaces lysine 962 with glutamine.
Molecular consequence: missense variant.
Genome position (GRCh38, 1-based): chr5:36,986,064, A>C. VCF-style: chr5-36986064-A-C. GRCh37 (hg19) VCF-style: chr5-36986166-A-C.
Other names: c.2884A>C, p.Lys962Gln (NM_015384.5); short protein forms K962Q.
Identifiers: ClinVar variation 3919832 (VCV003919832.3).